The following is an entry in ClinVar:

NM_000021.4(PSEN1):c.1002C>T (p.Gly334=)

Gene: PSEN1 (presenilin 1; plus strand). Cytogenetic location: 14q24.2.
Variant type: single nucleotide variant.
Coding change: c.1002C>T on transcript NM_000021.4 (MANE Select); coding-DNA position 1002, C replaced by T.
Protein change: p.Gly334=; no amino-acid change (glycine 334 retained).
Molecular consequence: synonymous variant.
Genome position (GRCh38, 1-based): chr14:73,211,815, C>T. VCF-style: chr14-73211815-C-T. GRCh37 (hg19) VCF-style: chr14-73678523-C-T.
Other names: c.990C>T, p.Gly330= (NM_007318.3).
Identifiers: ClinVar variation 313948 (VCV000313948.40), dbSNP rs116640707, ClinGen allele CA7256899.

ClinVar aggregate classification (germline): Conflicting classifications of pathogenicity. Review status: criteria provided, conflicting classifications (1 of 4 stars). 7 submissions from 6 submitters: Uncertain significance (2); Benign (1); Likely benign (3). 1 of the submissions does not count toward it. Last evaluated 2024-12-09.

Conditions:
Dilated cardiomyopathy 1U. Identifiers: Orphanet 154, MedGen C3160720, MONDO:0013371, OMIM 613694.
Alzheimer disease 3 (AD3). Also called: ALZHEIMER DISEASE, FAMILIAL, 3. Identifiers: Orphanet 1020, MedGen C1843013, MONDO:0011913, OMIM 607822.
PSEN1-related disorder. Also called: PSEN1-related condition.
Frontotemporal dementia (FTD1). Also called: MULTIPLE SYSTEM TAUOPATHY WITH PRESENILE DEMENTIA; FRONTOTEMPORAL DEMENTIA WITH PARKINSONISM; FRONTOTEMPORAL LOBE DEMENTIA; FRONTOTEMPORAL LOBAR DEGENERATION WITH TAU INCLUSIONS; FTLD WITH TAU INCLUSIONS; Dementia, frontotemporal, with or without parkinsonism. Identifiers: Orphanet 282, MedGen C0338451, MONDO:0017276, OMIM 600274, HP:0002145.
Pick disease. Also called: LOBAR ATROPHY OF BRAIN; PICK DISEASE OF BRAIN; DEMENTIA WITH LOBAR ATROPHY AND NEURONAL CYTOPLASMIC INCLUSIONS; Pick's disease; Pick Disease of the Brain. Identifiers: Orphanet 282, MedGen C0236642, MONDO:0008243, OMIM 172700.
Acne inversa, familial, 3 (ACNINV3). Identifiers: MedGen C3151038, MONDO:0013398, OMIM 613737.

Allele frequency attached by ClinVar (database versions not stated): gnomAD exomes 0.00017; ExAC 0.00022; TOPMed 0.00034; gnomAD 0.00037; ESP Exome Variant Server 0.00038; 1000 Genomes Project 0.00080; 1000 Genomes Project 30x 0.00125.
gnomAD v4.1: 187 of 1,613,944 alleles (0.012%); highest among the groups gnomAD compares: African/African-American, 0.14%; 2 homozygotes.

Submissions (7):

Labcorp Genetics (formerly Invitae), Labcorp
Classification: Likely benign for Alzheimer disease 3; Pick disease; Acne inversa, familial, 3; Frontotemporal dementia. Last evaluated: 2024-12-09. Review status: criteria provided, single submitter. Criteria: Invitae Variant Classification Sherloc (09022015). Collection method: clinical testing. Allele origin: germline.

Blueprint Genetics
Classification: Likely benign. Last evaluated: 2024-10-09. Review status: criteria provided, single submitter. Criteria: ACMG Guidelines, 2015. Collection method: clinical testing. Allele origin: germline.

CeGaT Center for Human Genetics Tuebingen
Classification: Benign. Last evaluated: 2022-06-01. Review status: criteria provided, single submitter. Criteria: CeGaT Center For Human Genetics Tuebingen Variant Classification Criteria Version 2. Collection method: clinical testing. Allele origin: germline. Affected: yes. Observed: 1 variant allele.
Comment: PSEN1: BS1, BS2

Athena Diagnostics
Classification: Likely benign. Last evaluated: 2018-10-24. Review status: criteria provided, single submitter. Criteria: Athena Diagnostics Criteria. Collection method: clinical testing. Allele origin: germline.

Illumina Laboratory Services, Illumina
Classification: Uncertain significance for Dilated cardiomyopathy 1U. Last evaluated: 2018-01-13. Review status: criteria provided, single submitter. Criteria: ICSL Variant Classification Criteria 13 December 2019. Collection method: clinical testing. Allele origin: germline.

Illumina Laboratory Services, Illumina
Classification: Uncertain significance for Alzheimer disease 3. Last evaluated: 2018-01-13. Review status: criteria provided, single submitter. Criteria: ICSL Variant Classification Criteria 13 December 2019. Collection method: clinical testing. Allele origin: germline.

PreventionGenetics, part of Exact Sciences
Classification: Likely benign for PSEN1-related condition. Last evaluated: 2024-07-11. Review status: no assertion criteria provided. Collection method: clinical testing. Allele origin: germline. Not counted in ClinVar's aggregate classification.
Comment: This variant is classified as likely benign based on ACMG/AMP sequence variant interpretation guidelines (Richards et al. 2015 PMID: 25741868, with internal and published modifications).